The following is an entry in ClinVar:

NM_004168.4(SDHA):c.557C>T (p.Ala186Val)

Gene: SDHA (succinate dehydrogenase complex flavoprotein subunit A; plus strand). Cytogenetic location: 5p15.33.
Variant type: single nucleotide variant.
Coding change: c.557C>T on transcript NM_004168.4 (MANE Select); coding-DNA position 557, C replaced by T.
Protein change: p.Ala186Val; replaces alanine 186 with valine.
Molecular consequence: missense variant.
Genome position (GRCh38, 1-based): chr5:225,983, C>T. VCF-style: chr5-225983-C-T. GRCh37 (hg19) VCF-style: chr5-226098-C-T.
Other names: c.413C>T, p.Ala138Val (NM_001294332.2); c.557C>T, p.Ala186Val (NM_001330758.2); short protein forms A186V, A138V.
Identifiers: ClinVar variation 1492603 (VCV001492603.10), dbSNP rs2126550013, ClinGen allele CA359010393.
Genomic context (GRCh38, chr5:225,983, plus strand): 5'-GGAAGATTTATCAGCGTGCATTTGGTGGACAGAGCCTCAAGTTTGGAAAGGGCGGGCAGG[C>T]CCATCGGTGCTGCTGTGTGGCTGATCGGACTGGCCACTCGCTATTGCACACCTTATATGG-3'
Protein context (NP_004159.2, residues 176-196): QSLKFGKGGQ[Ala186Val]HRCCCVADRT

ClinVar aggregate classification (germline): Uncertain significance. Review status: criteria provided, multiple submitters, no conflicts (2 of 4 stars). 2 submissions from 2 submitters: Uncertain significance (2). Last evaluated 2025-09-22.

Conditions:
Mitochondrial complex II deficiency, nuclear type 1. Also called: SUCCINATE CoQ REDUCTASE DEFICIENCY. Identifiers: Orphanet 3208, MedGen C5700310, MONDO:0100294, OMIM 252011.
Pheochromocytoma/paraganglioma syndrome 5. Also called: Paragangliomas 5; SDHA-Related Hereditary Paraganglioma-Pheochromocytoma Syndrome. Identifiers: Orphanet 29072, MedGen C3279992, MONDO:0013602, OMIM 614165.
Hereditary cancer-predisposing syndrome. Also called: Neoplastic Syndromes, Hereditary; Hereditary Cancer Syndrome; Hereditary neoplastic syndrome; Tumor predisposition. Identifiers: Orphanet 140162, MedGen C0027672, MeSH D009386, MONDO:0015356.

Allele frequency attached by ClinVar (database versions not stated): gnomAD exomes below 0.00001.
gnomAD v4.1: 1 of 1,614,082 alleles (0.000062%); highest among the groups gnomAD compares: Admixed American, 0.0017%; no homozygotes.

Submissions (2):

Ambry Genetics
Classification: Uncertain significance for Hereditary cancer-predisposing syndrome. Last evaluated: 2025-09-22. Review status: criteria provided, single submitter. Criteria: Ambry Variant Classification Scheme 2023. Collection method: clinical testing. Allele origin: germline.

Labcorp Genetics (formerly Invitae), Labcorp
Classification: Uncertain significance for Pheochromocytoma/paraganglioma syndrome 5; Mitochondrial complex II deficiency, nuclear type 1. Last evaluated: 2025-04-04. Review status: criteria provided, single submitter. Criteria: Invitae Variant Classification Sherloc (09022015). Collection method: clinical testing. Allele origin: germline.
Comment: This sequence change replaces alanine, which is neutral and non-polar, with valine, which is neutral and non-polar, at codon 186 of the SDHA protein (p.Ala186Val). This variant is not present in population databases (gnomAD no frequency). This variant has not been reported in the literature in individuals affected with SDHA-related conditions. ClinVar contains an entry for this variant (Variation ID: 1492603). Invitae Evidence Modeling of protein sequence and biophysical properties (such as structural, functional, and spatial information, amino acid conservation, physicochemical variation, residue mobility, and thermodynamic stability) indicates that this missense variant is not expected to disrupt SDHA protein function with a negative predictive value of 95%. In summary, the available evidence is currently insufficient to determine the role of this variant in disease. Therefore, it has been classified as a Variant of Uncertain Significance.